The following is an entry in ClinVar:

NM_001211.6(BUB1B):c.2620C>T (p.His874Tyr)

Gene: BUB1B (BUB1 mitotic checkpoint serine/threonine kinase B; plus strand). Cytogenetic location: 15q15.1.
Variant type: single nucleotide variant.
Coding change: c.2620C>T on transcript NM_001211.6 (MANE Select); coding-DNA position 2620, C replaced by T.
Protein change: p.His874Tyr; replaces histidine 874 with tyrosine.
Molecular consequence: missense variant.
Genome position (GRCh38, 1-based): chr15:40,213,416, C>T. VCF-style: chr15-40213416-C-T. GRCh37 (hg19) VCF-style: chr15-40505617-C-T.
Other names: short protein forms H874Y.
Identifiers: ClinVar variation 3483151 (VCV003483151.1).

ClinVar aggregate classification (germline): Uncertain significance (1 of 4 stars; one submission).

Conditions:
Inborn genetic diseases. Identifiers: MedGen C0950123, MeSH D030342.

gnomAD v4.1: 1 of 1,614,046 alleles (0.000062%); highest among the groups gnomAD compares: Admixed American, 0.0017%; no homozygotes.

Submission:

Ambry Genetics
Classification: Uncertain significance for Inborn genetic diseases. Last evaluated: 2024-07-05. Review status: criteria provided, single submitter. Criteria: Ambry Variant Classification Scheme 2023. Collection method: clinical testing. Allele origin: germline.
Comment: The p.H874Y variant (also known as c.2620C>T), located in coding exon 20 of the BUB1B gene, results from a C to T substitution at nucleotide position 2620. The histidine at codon 874 is replaced by tyrosine, an amino acid with similar properties. This amino acid position is conserved. In addition, this alteration is predicted to be deleterious by in silico analysis. Based on the available evidence, the clinical significance of this variant remains unclear.